The following is an entry in ClinVar:

ClinVar aggregate classification (germline): Uncertain significance. Review status: criteria provided, multiple submitters, no conflicts (2 of 4 stars). 3 submissions from 3 submitters: Uncertain significance (2). 1 of the submissions does not count toward it. Last evaluated 2025-06-12.

Conditions:
LAMA5-related disorder. Also called: LAMA5-related condition; LAMA5-Related Disorders.
Inborn genetic diseases. Identifiers: MedGen C0950123, MeSH D030342.

Allele frequency attached by ClinVar (database versions not stated): gnomAD 0.00007; TOPMed 0.00007; ExAC 0.00008.
gnomAD v4.1: 163 of 1,612,104 alleles (0.01%); highest among the groups gnomAD compares: Non-Finnish European, 0.013%; no homozygotes.

Submissions (3):

Labcorp Genetics (formerly Invitae), Labcorp
Classification: Uncertain significance. Last evaluated: 2025-06-12. Review status: criteria provided, single submitter. Criteria: Invitae Variant Classification Sherloc (09022015). Collection method: clinical testing. Allele origin: germline.
Comment: This sequence change replaces arginine, which is basic and polar, with lysine, which is basic and polar, at codon 1732 of the LAMA5 protein (p.Arg1732Lys). This variant is present in population databases (rs770787001, gnomAD 0.02%). This variant has not been reported in the literature in individuals affected with LAMA5-related conditions. ClinVar contains an entry for this variant (Variation ID: 2049136). An algorithm developed to predict the effect of missense changes on protein structure and function (PolyPhen-2) suggests that this variant is likely to be tolerated. In summary, the available evidence is currently insufficient to determine the role of this variant in disease. Therefore, it has been classified as a Variant of Uncertain Significance.

Ambry Genetics
Classification: Uncertain significance for Inborn genetic diseases. Last evaluated: 2025-03-18. Review status: criteria provided, single submitter. Criteria: Ambry Variant Classification Scheme 2023. Collection method: clinical testing. Allele origin: germline.

PreventionGenetics, part of Exact Sciences
Classification: Uncertain significance for LAMA5-related condition. Last evaluated: 2024-05-28. Review status: no assertion criteria provided. Collection method: clinical testing. Allele origin: germline. Not counted in ClinVar's aggregate classification.
Comment: The LAMA5 c.5195G>A variant is predicted to result in the amino acid substitution p.Arg1732Lys. To our knowledge, this variant has not been reported in the literature. This variant is reported in 0.019% of alleles in individuals of European (non-Finnish) descent in gnomAD. At this time, the clinical significance of this variant is uncertain due to the absence of conclusive functional and genetic evidence.

NM_005560.6(LAMA5):c.5195G>A (p.Arg1732Lys)

Gene: LAMA5 (laminin subunit alpha 5; minus strand). Cytogenetic location: 20q13.33.
Variant type: single nucleotide variant.
Coding change: c.5195G>A on transcript NM_005560.6 (MANE Select); coding-DNA position 5195, G replaced by A.
Protein change: p.Arg1732Lys; replaces arginine 1732 with lysine.
Molecular consequence: missense variant.
Genome position (GRCh38, 1-based): chr20:62,326,884, C>T on the plus strand (G>A on the coding strand, the complement: LAMA5 is on the minus strand). VCF-style: chr20-62326884-C-T. GRCh37 (hg19) VCF-style: chr20-60901940-C-T.
Other names: c.5195G>A (NM_005560.4); short protein forms R1732K.
Identifiers: ClinVar variation 2049136 (VCV002049136.5), dbSNP rs770787001, ClinGen allele CA9942298.